The following is an entry in ClinVar:

NM_004569.5(PIGH):c.276C>T (p.Ile92=)

Genes: GPHN (gephyrin; plus strand), PIGH (phosphatidylinositol glycan anchor biosynthesis class H; minus strand). Cytogenetic location: 14q24.1.
Variant type: single nucleotide variant.
Coding change: c.276C>T on transcript NM_004569.5 (MANE Select); coding-DNA position 276, C replaced by T.
Protein change: p.Ile92=; no amino-acid change (isoleucine 92 retained).
Molecular consequence: synonymous variant.
Genome position (GRCh38, 1-based): chr14:67,593,857, G>A on the plus strand (C>T on the coding strand, the complement: PIGH is on the minus strand). VCF-style: chr14-67593857-G-A. GRCh37 (hg19) VCF-style: chr14-68060574-G-A.
Other names: c.276C>T, p.Ile92= (NM_001363694.2).
Identifiers: ClinVar variation 3056965 (VCV003056965.2), dbSNP rs45474396, ClinGen allele CA7237578.

ClinVar aggregate classification (germline): Benign (0 of 4 stars; one submission).

Conditions:
PIGH-related disorder. Also called: PIGH-related condition.

Allele frequency attached by ClinVar (database versions not stated): 1000 Genomes Project 0.06250; TOPMed 0.08981; gnomAD exomes 0.09125; gnomAD 0.09140; ESP Exome Variant Server 0.09965; 1000 Genomes Project 30x 0.06262; ExAC 0.08446.
gnomAD v4.1: 146,877 of 1,611,808 alleles (9.1%); highest among the groups gnomAD compares: Middle Eastern, 13%; 7,107 homozygotes.

Submission:

PreventionGenetics, part of Exact Sciences
Classification: Benign for PIGH-related condition. Last evaluated: 2019-10-24. Review status: no assertion criteria provided. Collection method: clinical testing. Allele origin: germline.
Comment: This variant is classified as benign based on ACMG/AMP sequence variant interpretation guidelines (Richards et al. 2015 PMID: 25741868, with internal and published modifications).